The following is an entry in ClinVar:

NM_000390.4(CHM):c.1530C>A (p.Cys510Ter)

Gene: CHM (CHM Rab escort protein; minus strand). Cytogenetic location: Xq21.2.
Variant type: single nucleotide variant.
Coding change: c.1530C>A on transcript NM_000390.4 (MANE Select); coding-DNA position 1530, C replaced by A.
Protein change: p.Cys510Ter; replaces cysteine 510 with a stop codon.
Molecular consequence: nonsense.
Genome position (GRCh38, 1-based): chrX:85,879,044, G>T on the plus strand (C>A on the coding strand, the complement: CHM is on the minus strand). VCF-style: chrX-85879044-G-T. GRCh37 (hg19) VCF-style: chrX-85134049-G-T.
Other names: c.1086C>A, p.Cys362Ter (NM_001320959.1, NM_001362517.1, NM_001362518.2 and 1 more transcripts); short protein forms C362*, C510*.
Identifiers: ClinVar variation 1726706 (VCV001726706.2), dbSNP rs2520028194, ClinGen allele CA413787657.

ClinVar aggregate classification (germline): Likely pathogenic (1 of 4 stars; one submission).

Conditions:
Choroideremia. Also called: Chorioretinal scalloped atrophy. Identifiers: Orphanet 180, MedGen C0008525, MONDO:0010557, OMIM 303100, HP:0001139.

Submission:

Myriad Genetics, Inc.
Classification: Likely pathogenic for Choroideremia. Last evaluated: 2022-02-05. Review status: criteria provided, single submitter. Criteria: Myriad Women's Health Autosomal Recessive and X-Linked Classification Criteria (2021). Collection method: clinical testing. Allele origin: unknown.
Comment: NM_000390.2(CHM):c.1530C>A(C510*) is expected to be pathogenic in the context of choroideremia. This variant is predicted to lead to an abnormal or absent protein product due to the creation of a premature termination codon in CHM, a gene where loss-of-function variants are known to be pathogenic. Please note: this variant was assessed in the context of healthy population screening.